The following is an entry in ClinVar:

ClinVar aggregate classification (germline): Uncertain significance (1 of 4 stars; one submission).

Allele frequency attached by ClinVar (database versions not stated): gnomAD exomes below 0.00001.
gnomAD v4.1: 1 of 1,614,128 alleles (0.000062%); highest among the groups gnomAD compares: Admixed American, 0.0017%; no homozygotes.

Submission:

Labcorp Genetics (formerly Invitae), Labcorp
Classification: Uncertain significance. Last evaluated: 2024-01-02. Review status: criteria provided, single submitter. Criteria: Invitae Variant Classification Sherloc (09022015). Collection method: clinical testing. Allele origin: germline.
Comment: This sequence change replaces isoleucine, which is neutral and non-polar, with valine, which is neutral and non-polar, at codon 84 of the ALPK1 protein (p.Ile84Val). This variant is not present in population databases (gnomAD no frequency). This variant has not been reported in the literature in individuals affected with ALPK1-related conditions. Advanced modeling of protein sequence and biophysical properties (such as structural, functional, and spatial information, amino acid conservation, physicochemical variation, residue mobility, and thermodynamic stability) performed at Invitae indicates that this missense variant is not expected to disrupt ALPK1 protein function with a negative predictive value of 80%. In summary, the available evidence is currently insufficient to determine the role of this variant in disease. Therefore, it has been classified as a Variant of Uncertain Significance.

NM_025144.4(ALPK1):c.250A>G (p.Ile84Val)

Gene: ALPK1 (alpha kinase 1; plus strand). Cytogenetic location: 4q25.
Variant type: single nucleotide variant.
Coding change: c.250A>G on transcript NM_025144.4 (MANE Select); coding-DNA position 250, A replaced by G.
Protein change: p.Ile84Val; replaces isoleucine 84 with valine.
Molecular consequence: missense variant. On other transcripts: intron variant (1).
Genome position (GRCh38, 1-based): chr4:112,382,526, A>G. VCF-style: chr4-112382526-A-G. GRCh37 (hg19) VCF-style: chr4-113303682-A-G.
Other names: c.250A>G, p.Ile84Val (NM_001102406.2); c.42+4628A>G (NM_001253884.2); short protein forms I84V.
Identifiers: ClinVar variation 2769138 (VCV002769138.3), dbSNP rs2476402133, ClinGen allele CA357988665.